The following is an entry in ClinVar:

ClinVar aggregate classification (germline): Uncertain significance (1 of 4 stars; one submission).

Conditions:
Harel-Yoon syndrome (HAYOS). Also called: Optic atrophy-peripheral neuropathy-developmental delay syndrome. Identifiers: Orphanet 496790, MedGen C4310677, MONDO:0014958, OMIM 617183.

Submission:

Institute of Human Genetics, University of Leipzig Medical Center
Classification: Uncertain significance for Harel-Yoon syndrome. Last evaluated: 2024-04-23. Review status: criteria provided, single submitter. Criteria: ACMG Guidelines, 2015. Collection method: clinical testing. Allele origin: unknown. Inheritance: Autosomal dominant inheritance. Affected: yes.
Comment: Criteria applied: PM2_SUP,PP3

NM_001170535.3(ATAD3A):c.1465T>G (p.Phe489Val)

Gene: ATAD3A (ATPase family AAA domain containing 3A; plus strand). Cytogenetic location: 1p36.33.
Variant type: single nucleotide variant.
Coding change: c.1465T>G on transcript NM_001170535.3 (MANE Select); coding-DNA position 1465, T replaced by G.
Protein change: p.Phe489Val; replaces phenylalanine 489 with valine.
Molecular consequence: missense variant.
Genome position (GRCh38, 1-based): chr1:1,527,822, T>G. VCF-style: chr1-1527822-T-G. GRCh37 (hg19) VCF-style: chr1-1463202-T-G.
Other names: c.1228T>G, p.Phe410Val (NM_001170536.3); c.1609T>G, p.Phe537Val (NM_018188.5); short protein forms F410V, F489V, F537V.
Identifiers: ClinVar variation 3358965 (VCV003358965.2).
Genomic context (GRCh38, chr1:1,527,822, plus strand): 5'-GAGATGGTCCACTTCGACCTGCCAGGGCAGGAGGAACGGGAGCGCCTGGTGAGAATGTAT[T>G]TTGACAAGTATGTTCTTAAGCCGGCCACAGAAGGAAAGCAGTAAGTGTCCCGCCCCACCA-3'
Protein context (NP_001164006.1, residues 479-499): EERERLVRMY[Phe489Val]DKYVLKPATE